The following is an entry in ClinVar:

ClinVar aggregate classification (germline): Likely benign (0 of 4 stars; one submission).

Conditions:
SLC51A-related disorder. Also called: SLC51A-related condition.

Allele frequency attached by ClinVar (database versions not stated): ExAC 0.00035; 1000 Genomes Project 0.00060; 1000 Genomes Project 30x 0.00062; gnomAD 0.00098; ESP Exome Variant Server 0.00100; TOPMed 0.00101.
gnomAD v4.1: 273 of 1,613,572 alleles (0.017%); highest among the groups gnomAD compares: African/African-American, 0.29%; no homozygotes.

Submission:

PreventionGenetics, part of Exact Sciences
Classification: Likely benign for SLC51A-related condition. Last evaluated: 2021-06-23. Review status: no assertion criteria provided. Collection method: clinical testing. Allele origin: germline.
Comment: This variant is classified as likely benign based on ACMG/AMP sequence variant interpretation guidelines (Richards et al. 2015 PMID: 25741868, with internal and published modifications).

NM_152672.6(SLC51A):c.372C>T (p.Ala124=)

Gene: SLC51A (solute carrier family 51 member A; plus strand). Cytogenetic location: 3q29.
Variant type: single nucleotide variant.
Coding change: c.372C>T on transcript NM_152672.6 (MANE Select); coding-DNA position 372, C replaced by T.
Protein change: p.Ala124=; no amino-acid change (alanine 124 retained).
Molecular consequence: synonymous variant.
Genome position (GRCh38, 1-based): chr3:196,228,124, C>T. VCF-style: chr3-196228124-C-T. GRCh37 (hg19) VCF-style: chr3-195954995-C-T.
Identifiers: ClinVar variation 3048405 (VCV003048405.2), dbSNP rs148131579, ClinGen allele CA2779083.